The following is an entry in ClinVar:

ClinVar aggregate classification (germline): Uncertain significance (1 of 4 stars; one submission).

Conditions:
CIC-related disorder. Also called: CIC-related condition.

Submission:

PreventionGenetics, part of Exact Sciences
Classification: Uncertain significance for CIC-related condition. Last evaluated: 2026-06-24. Review status: criteria provided, single submitter. Criteria: ACMG Guidelines, 2015. Collection method: clinical testing. Allele origin: germline.
Comment: The CIC c.472C>G variant is predicted to result in the amino acid substitution p.Pro158Ala. To our knowledge, this variant has not been reported in the literature or in a large population database (gnomAD), indicating this variant is rare. At this time, the clinical significance of this variant is uncertain due to the absence of conclusive functional and genetic evidence.

NM_001386298.1(CIC):c.3199C>G (p.Pro1067Ala)

Gene: CIC (capicua transcriptional repressor; plus strand). Cytogenetic location: 19q13.2.
Variant type: single nucleotide variant.
Coding change: c.3199C>G on transcript NM_001386298.1 (MANE Select); coding-DNA position 3199, C replaced by G.
Protein change: p.Pro1067Ala; replaces proline 1067 with alanine.
Molecular consequence: missense variant.
Genome position (GRCh38, 1-based): chr19:42,287,339, C>G. VCF-style: chr19-42287339-C-G. GRCh37 (hg19) VCF-style: chr19-42791491-C-G.
Other names: c.3199C>G, p.Pro1067Ala (NM_001304815.2, NM_001379480.1, NM_001379482.1 and 6 more transcripts); c.472C>G, p.Pro158Ala (NM_001379484.1, NM_001379485.1, NM_001439189.1 and 3 more transcripts); short protein forms P1067A, P158A.
Identifiers: ClinVar variation 4994800 (VCV004994800.1).
Genomic context (GRCh38, chr19:42,287,339, plus strand): 5'-CCAGAGACATGGCCCTCACTGTCCCTGCTGCCCCGCCGCAGCTTCCTCTCCATCATGTCT[C>G]CTGAGATCCAGTTGCCTCTACCGCCCGGAAAACGTCGGACCCAGTCCCTCAGTGCCCTAC-3'
Protein context (NP_001373227.1, residues 1057-1077): HDDAFLSIMS[Pro1067Ala]EIQLPLPPGK